The following is an entry in ClinVar:

NM_015046.7(SETX):c.3181C>T (p.Pro1061Ser)

Gene: SETX (senataxin; minus strand). Cytogenetic location: 9q34.13.
Variant type: single nucleotide variant.
Coding change: c.3181C>T on transcript NM_015046.7 (MANE Select); coding-DNA position 3181, C replaced by T.
Protein change: p.Pro1061Ser; replaces proline 1061 with serine.
Molecular consequence: missense variant.
Genome position (GRCh38, 1-based): chr9:132,328,417, G>A on the plus strand (C>T on the coding strand, the complement: SETX is on the minus strand). VCF-style: chr9-132328417-G-A. GRCh37 (hg19) VCF-style: chr9-135203804-G-A.
Other names: c.3181C>T, p.Pro1061Ser (NM_001351527.2, NM_001351528.2); short protein forms P1061S.
Identifiers: ClinVar variation 1902573 (VCV001902573.5), dbSNP rs111537259, ClinGen allele CA375331811.

ClinVar aggregate classification (germline): Uncertain significance (1 of 4 stars; one submission).

Conditions:
Amyotrophic lateral sclerosis type 4 (ALS4). Also called: AMYOTROPHIC LATERAL SCLEROSIS 4, JUVENILE; NEURONOPATHY, DISTAL HEREDITARY MOTOR, WITH PYRAMIDAL FEATURES. Identifiers: Orphanet 357043, MedGen C1865409, MONDO:0011223, OMIM 602433.
Spinocerebellar ataxia, autosomal recessive, with axonal neuropathy 2 (SCAN2). Also called: Ataxia with Oculomotor Apraxia Type 2; ATAXIA-OCULOMOTOR APRAXIA 2; Ataxia with Oculomotor Apraxia; Ataxia-ocular apraxia-2. Identifiers: Orphanet 64753, MedGen C1853761, MONDO:0018996, OMIM 606002.

gnomAD v4.1: 1 of 1,613,684 alleles (0.000062%); highest among the groups gnomAD compares: African/African-American, 0.0013%; no homozygotes.

Submission:

Labcorp Genetics (formerly Invitae), Labcorp
Classification: Uncertain significance for Amyotrophic lateral sclerosis type 4; Spinocerebellar ataxia, autosomal recessive, with axonal neuropathy 2. Last evaluated: 2022-07-15. Review status: criteria provided, single submitter. Criteria: Invitae Variant Classification Sherloc (09022015). Collection method: clinical testing. Allele origin: germline.
Comment: This sequence change replaces proline, which is neutral and non-polar, with serine, which is neutral and polar, at codon 1061 of the SETX protein (p.Pro1061Ser). In summary, the available evidence is currently insufficient to determine the role of this variant in disease. Therefore, it has been classified as a Variant of Uncertain Significance. Advanced modeling of protein sequence and biophysical properties (such as structural, functional, and spatial information, amino acid conservation, physicochemical variation, residue mobility, and thermodynamic stability) performed at Invitae indicates that this missense variant is not expected to disrupt SETX protein function. This variant has not been reported in the literature in individuals affected with SETX-related conditions. This variant is not present in population databases (gnomAD no frequency).